The following is an entry in ClinVar:

NM_000397.4(CYBB):c.997T>C (p.Ser333Pro)

Gene: CYBB (cytochrome b-245 beta chain; plus strand). Cytogenetic location: Xp11.4.
Variant type: single nucleotide variant.
Coding change: c.997T>C on transcript NM_000397.4 (MANE Select); coding-DNA position 997, T replaced by C.
Protein change: p.Ser333Pro; replaces serine 333 with proline.
Molecular consequence: missense variant.
Genome position (GRCh38, 1-based): chrX:37,803,976, T>C. VCF-style: chrX-37803976-T-C. GRCh37 (hg19) VCF-style: chrX-37663229-T-C.
Other names: short protein forms S333P.
Identifiers: ClinVar variation 68415 (VCV000068415.7), dbSNP rs151344469, ClinGen allele CA219762.

ClinVar aggregate classification (germline): Uncertain significance. Review status: criteria provided, single submitter (1 of 4 stars). 2 submissions from 2 submitters: Uncertain significance (1). 1 of the submissions does not count toward it. Last evaluated 2017-11-24.

Conditions:
Granulomatous disease, chronic, X-linked. Also called: CYTOCHROME b-NEGATIVE GRANULOMATOUS DISEASE, CHRONIC, X-LINKED; GRANULOMATOUS DISEASE, CHRONIC, X-LINKED, SOMATIC MOSAIC. Identifiers: Orphanet 379, MedGen C1844376, MONDO:0010600, OMIM 306400.

Submissions (2):

Labcorp Genetics (formerly Invitae), Labcorp
Classification: Uncertain significance for Granulomatous disease, chronic, X-linked. Last evaluated: 2017-11-24. Review status: criteria provided, single submitter. Criteria: Invitae Variant Classification Sherloc (09022015). Collection method: clinical testing. Allele origin: germline.
Comment: In summary, the available evidence is currently insufficient to determine the role of this variant in disease. Therefore, it has been classified as a Variant of Uncertain Significance. Algorithms developed to predict the effect of missense changes on protein structure and function (SIFT, PolyPhen-2, Align-GVGD) all suggest that this variant is likely to be disruptive, but these predictions have not been confirmed by published functional studies and their clinical significance is uncertain. This variant has been reported in a family affected with chronic granulomatous disease (PMID: 9585602). ClinVar contains an entry for this variant (Variation ID: 68415). This variant is not present in population databases (ExAC no frequency). This sequence change replaces serine with proline at codon 333 of the CYBB protein (p.Ser333Pro). The serine residue is highly conserved and there is a moderate physicochemical difference between serine and proline.

UniProtKB/Swiss-Prot
No classification provided. Review status: no classification provided. Collection method: not provided. Allele origin: not provided. Not counted in ClinVar's aggregate classification.

Literature cited by the submitters: PubMed 9585602 (cited by Labcorp Genetics (formerly Invitae), Labcorp).